The following is an entry in ClinVar:

NM_181523.3(PIK3R1):c.427+6C>G

Gene: PIK3R1 (phosphoinositide-3-kinase regulatory subunit 1; plus strand). Cytogenetic location: 5q13.1.
Variant type: single nucleotide variant.
Coding change: c.427+6C>G on transcript NM_181523.3 (MANE Select); 6 bases into the intron after coding-DNA position 427, C replaced by G.
Molecular consequence: intron variant.
Genome position (GRCh38, 1-based): chr5:68,273,488, C>G. VCF-style: chr5-68273488-C-G. GRCh37 (hg19) VCF-style: chr5-67569316-C-G.
Identifiers: ClinVar variation 2168250 (VCV002168250.4), dbSNP rs369111422, ClinGen allele CA3290012.

ClinVar aggregate classification (germline): Uncertain significance (1 of 4 stars; one submission).

Conditions:
Agammaglobulinemia 7, autosomal recessive (AGM7). Also called: AGAMMAGLOBULINEMIA, AUTOSOMAL RECESSIVE, DUE TO PIK3R1 DEFECT. Identifiers: MedGen C3554689, MONDO:0014083, OMIM 615214.
SHORT syndrome. Also called: PIK3R1-Related SHORT Syndrome; LIPODYSTROPHY, PARTIAL, WITH RIEGER ANOMALY AND SHORT STATURE; SHORT STATURE, HYPEREXTENSIBILITY, HERNIA, OCULAR DEPRESSION, RIEGER ANOMALY, AND TEETHING DELAY. Identifiers: Orphanet 3163, MedGen C0878684, MONDO:0010026, OMIM 269880.
Immunodeficiency 36 with lymphoproliferation. Also called: Activated PI3K Delta Syndrome Type 2 (APDS2); Immunodeficiency 36; ACTIVATED PI3K-DELTA SYNDROME 2. Identifiers: Orphanet 397596, Orphanet 693681, MedGen C4014934, MONDO:0014453, OMIM 616005.

Allele frequency attached by ClinVar (database versions not stated): ExAC 0.00001; gnomAD 0.00001; TOPMed 0.00001; ESP Exome Variant Server 0.00008.
gnomAD v4.1: 8 of 1,609,862 alleles (0.0005%); highest among the groups gnomAD compares: African/African-American, 0.0013%; no homozygotes.

Submission:

Labcorp Genetics (formerly Invitae), Labcorp
Classification: Uncertain significance for SHORT syndrome; Immunodeficiency 36 with lymphoproliferation; Agammaglobulinemia 7, autosomal recessive. Last evaluated: 2022-09-15. Review status: criteria provided, single submitter. Criteria: Invitae Variant Classification Sherloc (09022015). Collection method: clinical testing. Allele origin: germline.
Comment: This sequence change falls in intron 3 of the PIK3R1 gene. It does not directly change the encoded amino acid sequence of the PIK3R1 protein. It affects a nucleotide within the consensus splice site. In summary, the available evidence is currently insufficient to determine the role of this variant in disease. Therefore, it has been classified as a Variant of Uncertain Significance. Variants that disrupt the consensus splice site are a relatively common cause of aberrant splicing (PMID: 17576681, 9536098). Algorithms developed to predict the effect of sequence changes on RNA splicing suggest that this variant is not likely to affect RNA splicing. This variant has not been reported in the literature in individuals affected with PIK3R1-related conditions. This variant is present in population databases (rs369111422, gnomAD 0.002%).

Literature cited by the submitters: PubMed 17576681; PubMed 9536098.